The following is an entry in ClinVar:

ClinVar aggregate classification (germline): Uncertain significance. Review status: criteria provided, multiple submitters, no conflicts (2 of 4 stars). 4 submissions from 4 submitters: Uncertain significance (4). Last evaluated 2022-12-03.

Conditions:
Diffuse midline glioma, H3 K27-altered. Identifiers: MedGen C5669877, MONDO:1060171.
Familial cancer of breast. Also called: Hereditary breast cancer; BREAST CANCER, FAMILIAL; hereditary breast carcinoma. Identifiers: Orphanet 227535, MedGen C0346153, MONDO:0016419, OMIM 114480. Disease mechanism: loss of function.
Hereditary cancer-predisposing syndrome. Also called: Hereditary neoplastic syndrome; Neoplastic Syndromes, Hereditary; Tumor predisposition; Hereditary Cancer Syndrome. Identifiers: Orphanet 140162, MedGen C0027672, MeSH D009386, MONDO:0015356.

Submissions (4):

Labcorp Genetics (formerly Invitae), Labcorp
Classification: Uncertain significance for Familial cancer of breast. Last evaluated: 2022-12-03. Review status: criteria provided, single submitter. Criteria: Invitae Variant Classification Sherloc (09022015). Collection method: clinical testing. Allele origin: germline.
Comment: This sequence change replaces arginine, which is basic and polar, with glycine, which is neutral and non-polar, at codon 945 of the PALB2 protein (p.Arg945Gly). In summary, the available evidence is currently insufficient to determine the role of this variant in disease. Therefore, it has been classified as a Variant of Uncertain Significance. Algorithms developed to predict the effect of missense changes on protein structure and function are either unavailable or do not agree on the potential impact of this missense change (SIFT: "Deleterious"; PolyPhen-2: "Probably Damaging"; Align-GVGD: "Class C15"). This variant has not been reported in the literature in individuals affected with PALB2-related conditions. This variant is not present in population databases (gnomAD no frequency).

Laboratory of Medical Genetics Unit, Bambino Gesù Children's Hospital
Classification: Uncertain significance for Diffuse midline glioma, H3 K27-altered. Last evaluated: 2022-04-28. Review status: criteria provided, single submitter. Criteria: ACMG Guidelines, 2015. Collection method: research. Allele origin: paternal. Affected: yes. Observed: 1 heterozygote.

Blueprint Genetics
Classification: Uncertain significance. Last evaluated: 2021-12-27. Review status: criteria provided, single submitter. Criteria: ACMG Guidelines, 2015. Collection method: clinical testing. Allele origin: germline.

Ambry Genetics
Classification: Uncertain significance for Hereditary cancer-predisposing syndrome. Last evaluated: 2020-03-23. Review status: criteria provided, single submitter. Criteria: Ambry Variant Classification Scheme 2023. Collection method: clinical testing. Allele origin: germline.
Comment: The p.R945G variant (also known as c.2833A>G), located in coding exon 8 of the PALB2 gene, results from an A to G substitution at nucleotide position 2833. The arginine at codon 945 is replaced by glycine, an amino acid with dissimilar properties. This amino acid position is highly conserved in available vertebrate species. In addition, the in silico prediction for this alteration is inconclusive. Since supporting evidence is limited at this time, the clinical significance of this alteration remains unclear.

NM_024675.4(PALB2):c.2833A>G (p.Arg945Gly)

Gene: PALB2 (partner and localizer of BRCA2; minus strand). Cytogenetic location: 16p12.2.
Variant type: single nucleotide variant.
Coding change: c.2833A>G on transcript NM_024675.4 (MANE Select); coding-DNA position 2833, A replaced by G.
Protein change: p.Arg945Gly; replaces arginine 945 with glycine.
Molecular consequence: missense variant.
Genome position (GRCh38, 1-based): chr16:23,624,010, T>C on the plus strand (A>G on the coding strand, the complement: PALB2 is on the minus strand). VCF-style: chr16-23624010-T-C. GRCh37 (hg19) VCF-style: chr16-23635331-T-C.
Other names: c.2773A>G, p.Arg925Gly (NM_001407296.1); c.2761A>G, p.Arg921Gly (NM_001407297.1); c.2671A>G, p.Arg891Gly (NM_001407298.1, NM_001407302.1); c.2833A>G, p.Arg945Gly (NM_001407299.1, NM_001407300.1, NM_001407301.1); c.1948A>G, p.Arg650Gly (NM_001407304.1, NM_001407305.1, NM_001407306.1 and 4 more transcripts); c.1786A>G, p.Arg596Gly (NM_001407307.1); c.1045A>G, p.Arg349Gly (NM_001407312.1, NM_001407313.1); c.367A>G, p.Arg123Gly (NM_001407314.1); short protein forms R123G, R945G, R349G, R891G, R925G, R596G, R650G, R921G.
Identifiers: ClinVar variation 1796612 (VCV001796612.7), dbSNP rs1330055409, ClinGen allele CA395144775.